The following is an entry in ClinVar:

ClinVar aggregate classification (germline): Likely pathogenic. Review status: criteria provided, single submitter (1 of 4 stars). 2 submissions from 2 submitters: Likely pathogenic (1). 1 of the submissions does not count toward it. Last evaluated 2025-12-03.

Conditions:
Von Hippel-Lindau syndrome (VHLS). Also called: VHL syndrome; Von Hippel-Lindau; von Hippel–Lindau syndrome. Identifiers: Orphanet 892, MedGen C0019562, MONDO:0008667, OMIM 193300. Disease mechanism: loss of function.
Chuvash polycythemia. Also called: POLYCYTHEMIA, VHL-DEPENDENT. Identifiers: Orphanet 238557, MedGen C1837915, MONDO:0009892, OMIM 263400.

Submissions (2):

Labcorp Genetics (formerly Invitae), Labcorp
Classification: Likely pathogenic for Von Hippel-Lindau syndrome; Chuvash polycythemia. Last evaluated: 2025-12-03. Review status: criteria provided, single submitter. Criteria: Invitae Variant Classification Sherloc (09022015). Collection method: clinical testing. Allele origin: germline.
Comment: This sequence change falls in intron 1 of the VHL gene. It is not expected to change the encoded amino acid sequence of the VHL protein. However, this sequence change falls within a cryptic exon in the VHL gene, known as exon E1’, which is naturally expressed at low levels in several human tissues (PMID: 29891534). RNA analysis indicates that this variant induces altered splicing and may result in an absent or altered protein product. This variant is not present in population databases (gnomAD no frequency). This variant has been observed in individual(s) with autosomal recessive familial erythrocytosis (PMID: 29891534). In at least one individual the data is consistent with being in trans (on the opposite chromosome) from a pathogenic variant. ClinVar contains an entry for this variant (Variation ID: 816686). Studies have shown that this variant results in a disruption of the relative levels of naturally occurring VHL mRNA isoforms, increasing expression of exon E1’ containing isoforms and decreasing the expression of the major mRNA isoforms, and introducing a premature termination codon (PMID: 29891534; internal data). The resulting mRNA is expected to undergo nonsense-mediated decay. In summary, the currently available evidence indicates that the variant is pathogenic, but additional data are needed to prove that conclusively. Therefore, this variant has been classified as Likely Pathogenic.

OMIM
Classification: Pathogenic for ERYTHROCYTOSIS, FAMILIAL, 2. Last evaluated: 2023-04-21. Review status: no assertion criteria provided. Collection method: literature only. Allele origin: germline. Not counted in ClinVar's aggregate classification.

Literature cited by the submitters: PubMed 29891534 (cited by Labcorp Genetics (formerly Invitae), Labcorp and OMIM); PubMed 15921386 (cited by OMIM).

NM_000551.4(VHL):c.340+694_340+711dup

Genes: VHL (von Hippel-Lindau tumor suppressor; plus strand), LOC107303340 (3p25 von Hippel-Lindau tumor suppressor, E3 ubiquitin protein ligase Alu-mediated recombination region; plus strand). Cytogenetic location: 3p25.3.
Variant type: Duplication.
Coding change: c.340+694_340+711dup on transcript NM_000551.4 (MANE Select); bases 694 to 711 of the intron after coding-DNA position 340, 18 bases duplicated (AAGAGCCGACCGTGTGTG).
Molecular consequence: intron variant. On other transcripts: nonsense (1).
Genome position (GRCh38, 1-based): chr3:10,142,881-10,142,898, AAGAGCCGACCGTGTGTG duplicated; duplicating any 18 consecutive bases within chr3:10,142,880-10,142,898 gives the same sequence; the c. name uses the placement nearest the transcript's 3' end. VCF-style (leftmost placement, unchanged base first): chr3-10142879-G-GGAAGAGCCGACCGTGTGT. GRCh37 (hg19) VCF-style: chr3-10184563-G-GGAAGAGCCGACCGTGTGT.
Other names: c.340+694_340+711dup (NM_198156.3); c.459_476dup, p.Trp159Ter (NM_001354723.2); short protein forms W159*.
Identifiers: ClinVar variation 816686 (VCV000816686.12), dbSNP rs1575923363, ClinGen allele CA915941842.
Genomic context (GRCh38, chr3:10,142,879, plus strand): 5'-TTCCTCCTGGGGAGACTGACAGATGCAAAGACAGGAACAAGCCAGGGTCATGTTGGCGCC[G>GGAAGAGCCGACCGTGTGT]GAAGAGCCGACCGTGTGTGGCGTGGGAAATTGACTTACCTGCCTGCTGGGAGATGGAGGG-3'